The following is an entry in ClinVar:

NM_000368.5(TSC1):c.1579C>T (p.Gln527Ter)

Gene: TSC1 (TSC complex subunit 1; minus strand). Cytogenetic location: 9q34.13.
Variant type: single nucleotide variant.
Coding change: c.1579C>T on transcript NM_000368.5 (MANE Select); coding-DNA position 1579, C replaced by T.
Protein change: p.Gln527Ter; replaces glutamine 527 with a stop codon.
Molecular consequence: nonsense.
Genome position (GRCh38, 1-based): chr9:132,905,999, G>A on the plus strand (C>T on the coding strand, the complement: TSC1 is on the minus strand). VCF-style: chr9-132905999-G-A. GRCh37 (hg19) VCF-style: chr9-135781386-G-A.
Other names: c.1576C>T, p.Gln526Ter (NM_001162426.2); c.1426C>T, p.Gln476Ter (NM_001162427.2); c.1216C>T, p.Gln406Ter (NM_001362177.2); short protein forms Q527*, Q406*, Q476*, Q526*.
Identifiers: ClinVar variation 48804 (VCV000048804.11), dbSNP rs118203549, ClinGen allele CA005069.

ClinVar aggregate classification (germline): Pathogenic/Likely pathogenic. Review status: criteria provided, multiple submitters, no conflicts (2 of 4 stars). 7 submissions from 6 submitters: Pathogenic (4); Likely pathogenic (1). 2 of the submissions do not count toward it. Last evaluated 2024-09-04.

Conditions:
Tuberous sclerosis syndrome (TSC). Also called: Tuberous Sclerosis Complex; Tuberous sclerosis. Identifiers: Orphanet 805, MedGen C0041341, MONDO:0001734.
Malignant tumor of urinary bladder. Also called: Bladder cancer; Urinary bladder cancer; Urinary Bladder Neoplasms. Identifiers: MedGen C0005684, MONDO:0001187, OMIM 109800.
Tuberous sclerosis 1 (TSC1). Identifiers: Orphanet 805, MedGen C1854465, MONDO:0008612, OMIM 191100.

Submissions (7):

Labcorp Genetics (formerly Invitae), Labcorp
Classification: Pathogenic for Tuberous sclerosis 1. Last evaluated: 2024-09-04. Review status: criteria provided, single submitter. Criteria: Invitae Variant Classification Sherloc (09022015). Collection method: clinical testing. Allele origin: germline.
Comment: This sequence change creates a premature translational stop signal (p.Gln527*) in the TSC1 gene. It is expected to result in an absent or disrupted protein product. Loss-of-function variants in TSC1 are known to be pathogenic (PMID: 10227394, 17304050). This variant is not present in population databases (gnomAD no frequency). This variant has not been reported in the literature in individuals affected with TSC1-related conditions. ClinVar contains an entry for this variant (Variation ID: 48804). For these reasons, this variant has been classified as Pathogenic.

3billion
Classification: Pathogenic for Tuberous sclerosis 1. Last evaluated: 2024-08-27. Review status: criteria provided, single submitter. Criteria: ACMG Guidelines, 2015. Collection method: clinical testing. Allele origin: germline. Affected: yes.
Comment: The variant is not observed in the gnomAD v4.0.0 dataset. Predicted Consequence/Location: Stop-gained (nonsense): predicted to result in a loss or disruption of normal protein function through nonsense-mediated decay (NMD) or protein truncation. Multiple pathogenic variants are reported downstream of the variant. The variant has been reported at least twice as pathogenic with clinical assertions and evidence for the classification (ClinVar ID: VCV000048804). Therefore, this variant is classified as Pathogenic according to the recommendation of ACMG/AMP guideline.

Genome-Nilou Lab
Classification: Pathogenic for Tuberous sclerosis 1. Last evaluated: 2021-11-07. Review status: criteria provided, single submitter. Criteria: ACMG Guidelines, 2015. Collection method: clinical testing. Allele origin: germline. Affected: no.

GeneDx
Classification: Pathogenic. Last evaluated: 2018-09-21. Review status: criteria provided, single submitter. Criteria: GeneDx Variant Classification (06012015). Collection method: clinical testing. Allele origin: germline. Affected: yes.
Comment: The Q527X nonsense variant in the TSC1 gene has been reported previously as a de novo variant inmultiple unrelated patients with tuberous sclerosis complex (TSC1 LOVD). It is predicted to cause loss of normal protein function either through protein truncation or nonsense-mediated mRNA decay. Furthermore, this variant is not observed in large population cohorts (Lek et al., 2016). Therefore, the presence of Q527X is consistent with the diagnosis of TSC in this individual.

Center for Human Genetics, Inc
Classification: Likely pathogenic for Tuberous sclerosis 1. Last evaluated: 2016-11-01. Review status: criteria provided, single submitter. Criteria: ACMG Guidelines, 2015. Collection method: clinical testing. Allele origin: germline. Affected: yes.

Tuberous sclerosis database (TSC1)
No classification provided. Condition: TSC. Review status: no classification provided. Criteria: Tuberous Sclerosis Database Assertion Criteria 2015. Collection method: curation. Allele origin: germline. Affected: yes. Not counted in ClinVar's aggregate classification.

Tuberous sclerosis database (TSC1)
No classification provided. Condition: Bladder cancer. Review status: no classification provided. Criteria: Tuberous Sclerosis Database Assertion Criteria 2015. Collection method: curation. Allele origin: germline. Affected: yes. Not counted in ClinVar's aggregate classification.

Literature cited by the submitters: PubMed 10227394 (cited by Labcorp Genetics (formerly Invitae), Labcorp); PubMed 17304050 (cited by Labcorp Genetics (formerly Invitae), Labcorp).